The following is an entry in ClinVar:

ClinVar aggregate classification (germline): Conflicting classifications of pathogenicity. Review status: criteria provided, conflicting classifications (1 of 4 stars). 5 submissions from 4 submitters: Uncertain significance (1); Benign (2); Likely benign (2). Last evaluated 2026-01-06.

Conditions:
Basal cell nevus syndrome 1 (BCNS1). Also called: GORLIN-GOLTZ SYNDROME; MULTIPLE BASAL CELL NEVI, ODONTOGENIC KERATOCYSTS, AND SKELETAL ANOMALIES. Identifiers: MedGen CN376810, MONDO:0958174, OMIM 109400.
Holoprosencephaly 7 (HPE7). Identifiers: Orphanet 2162, MedGen C1835820, MONDO:0012562, OMIM 610828.
Gorlin syndrome. Also called: Nevoid Basal Cell Carcinoma Syndrome; Basal cell nevus syndrome. Identifiers: Orphanet 377, MedGen C0004779, MONDO:0007187.

Allele frequency attached by ClinVar (database versions not stated): gnomAD 0.00006 and 0.00009; TOPMed 0.00006; ExAC 0.00009; gnomAD exomes 0.00012; 1000 Genomes Project 30x 0.00016; 1000 Genomes Project 0.00020.
gnomAD v4.1: 95 of 1,613,928 alleles (0.0059%); highest among the groups gnomAD compares: East Asian, 0.051%; no homozygotes.

Submissions (5):

Labcorp Genetics (formerly Invitae), Labcorp
Classification: Benign for Gorlin syndrome. Last evaluated: 2026-01-06. Review status: criteria provided, single submitter. Criteria: Invitae Variant Classification Sherloc (09022015). Collection method: clinical testing. Allele origin: germline.

KCCC/NGS Laboratory, Kuwait Cancer Control Center
Classification: Benign for Basal cell nevus syndrome 1. Last evaluated: 2025-02-01. Review status: criteria provided, single submitter. Criteria: ACMG Guidelines, 2015. Collection method: clinical testing. Allele origin: germline. Affected: no.

Illumina Laboratory Services, Illumina
Classification: Uncertain significance for Holoprosencephaly 7. Last evaluated: 2018-01-12. Review status: criteria provided, single submitter. Criteria: ICSL Variant Classification Criteria 13 December 2019. Collection method: clinical testing. Allele origin: germline.

Illumina Laboratory Services, Illumina
Classification: Likely benign for Basal cell nevus syndrome 1. Last evaluated: 2018-01-12. Review status: criteria provided, single submitter. Criteria: ICSL Variant Classification Criteria 13 December 2019. Collection method: clinical testing. Allele origin: germline.
Comment: This variant was observed in the ICSL laboratory as part of a predisposition screen in an ostensibly healthy population. It had not been previously curated by ICSL or reported in the Human Gene Mutation Database (HGMD: prior to June 1st, 2018), and was therefore a candidate for classification through an automated scoring system. Utilizing variant allele frequency, disease prevalence and penetrance estimates, and inheritance mode, an automated score was calculated to assess if this variant is too frequent to cause the disease. Based on the score and internal cut-off values, a variant classified as likely benign is not then subjected to further curation. The score for this variant resulted in a classification of likely benign for this disease.

GeneDx
Classification: Likely benign. Last evaluated: 2016-11-02. Review status: criteria provided, single submitter. Criteria: GeneDx Variant Classification (06012015). Collection method: clinical testing. Allele origin: germline. Affected: yes.
Comment: This variant is considered likely benign or benign based on one or more of the following criteria: it is a conservative change, it occurs at a poorly conserved position in the protein, it is predicted to be benign by multiple in silico algorithms, and/or has population frequency not consistent with disease.

NM_000264.5(PTCH1):c.3449+11G>A

Gene: PTCH1 (patched 1; minus strand). Cytogenetic location: 9q22.32.
Variant type: single nucleotide variant.
Coding change: c.3449+11G>A on transcript NM_000264.5 (MANE Select); 11 bases into the intron after coding-DNA position 3449, G replaced by A.
Molecular consequence: intron variant.
Genome position (GRCh38, 1-based): chr9:95,453,467, C>T on the plus strand (G>A on the coding strand, the complement: PTCH1 is on the minus strand). VCF-style: chr9-95453467-C-T. GRCh37 (hg19) VCF-style: chr9-98215749-C-T.
Other names: c.3446+11G>A (NM_001083603.3); c.3251+11G>A (NM_001083602.3); c.3293+11G>A (NM_001354918.2); c.2996+11G>A (NM_001083605.3, NM_001083604.3, NM_001083606.3 and 1 more transcripts).
Identifiers: ClinVar variation 390530 (VCV000390530.13), dbSNP rs568528640, ClinGen allele CA5138152.